The following is an entry in ClinVar:

ClinVar aggregate classification (germline): Uncertain significance (1 of 4 stars; one submission).

Conditions:
Hawkinsinuria. Identifiers: Orphanet 2118, MedGen C2931042, MONDO:0007700, OMIM 140350, HP:0034457.
Tyrosinemia type III. Also called: Tyrosinemia type 3; 4-alpha hydroxyphenylpyruvic acid oxidase deficiency; 4-alpha hydroxyphenylpyruvate dioxygenase deficiency; 4-Hydroxyphenylpyruvate dioxygenase deficiency; 4-HYDROXYPHENYLPYRUVIC ACID OXIDASE DEFICIENCY. Identifiers: Orphanet 69723, MedGen C0268623, MONDO:0010162, OMIM 276710.

Submission:

Labcorp Genetics (formerly Invitae), Labcorp
Classification: Uncertain significance for Tyrosinemia type III; Hawkinsinuria. Last evaluated: 2021-07-12. Review status: criteria provided, single submitter. Criteria: Invitae Variant Classification Sherloc (09022015). Collection method: clinical testing. Allele origin: germline.
Comment: This sequence change replaces glutamic acid with glutamine at codon 99 of the HPD protein (p.Glu99Gln). The glutamic acid residue is highly conserved and there is a small physicochemical difference between glutamic acid and glutamine. This variant is not present in population databases (ExAC no frequency). This variant has not been reported in the literature in individuals affected with HPD-related conditions. Algorithms developed to predict the effect of missense changes on protein structure and function are either unavailable or do not agree on the potential impact of this missense change (SIFT: "Deleterious"; PolyPhen-2: "Benign"; Align-GVGD: "Class C25"). In summary, the available evidence is currently insufficient to determine the role of this variant in disease. Therefore, it has been classified as a Variant of Uncertain Significance.

NM_002150.3(HPD):c.295G>C (p.Glu99Gln)

Genes: HPD (4-hydroxyphenylpyruvate dioxygenase; minus strand), TIALD (transcript inducer of AURKA lysosomal degradation; plus strand), LOC126861662 (MED14-independent group 3 enhancer GRCh37_chr12:122293687-122294886; plus strand). Cytogenetic location: 12q24.31.
Variant type: single nucleotide variant.
Coding change: c.295G>C on transcript NM_002150.3 (MANE Select); coding-DNA position 295, G replaced by C.
Protein change: p.Glu99Gln; replaces glutamic acid 99 with glutamine.
Molecular consequence: missense variant.
Genome position (GRCh38, 1-based): chr12:121,856,353, C>G on the plus strand (G>C on the coding strand, the complement: HPD is on the minus strand). VCF-style: chr12-121856353-C-G. GRCh37 (hg19) VCF-style: chr12-122294259-C-G.
Other names: c.178G>C, p.Glu60Gln (NM_001171993.2); short protein forms E60Q, E99Q.
Identifiers: ClinVar variation 1504673 (VCV001504673.8), dbSNP rs199638048, ClinGen allele CA387000901.